The following is an entry in ClinVar:

ClinVar aggregate classification (germline): Pathogenic (0 of 4 stars; one submission).

Conditions:
Fanconi anemia complementation group A (FANCA). Also called: Fanconi anemia, group A; FANCA-Related Fanconi Anemia. Identifiers: Orphanet 84, MedGen C3469521, MONDO:0009215, OMIM 227650.

Submission:

Leiden Open Variation Database
Classification: Pathogenic for Fanconi anemia complementation group A. Last evaluated: 2020-02-28. Review status: no assertion criteria provided. Collection method: curation. Allele origin: germline. Affected: yes.
Comment: Curator: Arleen D. Auerbach. Submitter to LOVD: Johan de Winter.

Literature cited by the submitters: PubMed 17924555.

NC_000016.10:g.89761950_89762023del

Gene: FANCA (FA complementation group A; minus strand). Cytogenetic location: 16q24.3.
Variant type: Deletion.
Genome position: GRCh38: chr16:89,761,950-89,762,023. GRCh37 (hg19): chr16:89,828,358-89,828,431.
Identifiers: ClinVar variation 974341 (VCV000974341.3), dbSNP rs2038967116, ClinGen allele CA1139665044.